The following is an entry in ClinVar:

ClinVar aggregate classification (germline): Likely benign. Review status: criteria provided, multiple submitters, no conflicts (2 of 4 stars). 3 submissions from 3 submitters: Likely benign (3). Last evaluated 2025-12-16.

Conditions:
Cardiovascular phenotype. Identifiers: MedGen CN230736.
Dilated cardiomyopathy 1G (CMD1G). Identifiers: Orphanet 154, MedGen C1858763, MONDO:0011400, OMIM 604145.
Autosomal recessive limb-girdle muscular dystrophy type 2J (LGMDR10). Also called: Limb-girdle muscular dystrophy, type 2J; MUSCULAR DYSTROPHY, LIMB-GIRDLE, AUTOSOMAL RECESSIVE 10. Identifiers: Orphanet 140922, MedGen C1837342, MONDO:0012127, OMIM 608807.

Allele frequency attached by ClinVar (database versions not stated): gnomAD 0.00001; gnomAD exomes 0.00002 and 0.00006; TOPMed 0.00002; ExAC 0.00003.
gnomAD v4.1: 34 of 1,614,004 alleles (0.0021%); highest among the groups gnomAD compares: Admixed American, 0.03%; no homozygotes.

Submissions (3):

Labcorp Genetics (formerly Invitae), Labcorp
Classification: Likely benign for Dilated cardiomyopathy 1G; Autosomal recessive limb-girdle muscular dystrophy type 2J. Last evaluated: 2025-12-16. Review status: criteria provided, single submitter. Criteria: Invitae Variant Classification Sherloc (09022015). Collection method: clinical testing. Allele origin: germline.

Ambry Genetics
Classification: Likely benign for Cardiovascular phenotype. Last evaluated: 2022-05-24. Review status: criteria provided, single submitter. Criteria: Ambry Variant Classification Scheme 2023. Collection method: clinical testing. Allele origin: germline.

Laboratory for Molecular Medicine, Mass General Brigham Personalized Medicine
Classification: Likely benign. Last evaluated: 2014-07-25. Review status: criteria provided, single submitter. Criteria: LMM Criteria. Collection method: clinical testing. Allele origin: germline. Observed: 1 variant allele.
Comment: Pro1484Pro in exon 25 of TTN: This variant is not expected to have clinical sign ificance because it does not alter an amino acid residue and is not located with in the splice consensus sequence.

NM_001267550.2(TTN):c.4452T>C (p.Pro1484=)

Genes: TTN (titin; minus strand), LOC101927055 (uncharacterized LOC101927055; plus strand). Cytogenetic location: 2q31.2.
Variant type: single nucleotide variant.
Coding change: c.4452T>C on transcript NM_001267550.2 (MANE Select); coding-DNA position 4452, T replaced by C.
Protein change: p.Pro1484=; no amino-acid change (proline 1484 retained).
Molecular consequence: synonymous variant. On other transcripts: non-coding transcript variant (1).
Genome position (GRCh38, 1-based): chr2:178,777,732, A>G on the plus strand (T>C on the coding strand, the complement: TTN is on the minus strand). VCF-style: chr2-178777732-A-G. GRCh37 (hg19) VCF-style: chr2-179642459-A-G.
Other names: c.4452T>C, p.Pro1484= (NM_001256850.1, NM_133379.5, NM_133378.4); c.4314T>C, p.Pro1438= (NM_003319.4, NM_133432.3, NM_133437.4).
Identifiers: ClinVar variation 166319 (VCV000166319.15), dbSNP rs727503695, ClinGen allele CA179323.